The following is an entry in ClinVar:

NM_005908.4(MANBA):c.1153_1162del (p.Asn385fs)

Gene: MANBA (mannosidase beta; minus strand). Cytogenetic location: 4q24.
Variant type: Deletion.
Coding change: c.1153_1162del on transcript NM_005908.4 (MANE Select); coding-DNA positions 1153 to 1162, 10 bases deleted (AATACTCTTC; older notation c.1153_1162delAATACTCTTC).
Protein change: p.Asn385fs; shifts the reading frame from asparagine 385.
Molecular consequence: frameshift variant.
Genome position (GRCh38, 1-based): chr4:102,671,349-102,671,358, GAAGAGTATT deleted on the plus strand (AATACTCTTC on the coding strand, the reverse complement: MANBA is on the minus strand). VCF-style (leftmost placement, unchanged base first): chr4-102671348-CGAAGAGTATT-C. GRCh37 (hg19) VCF-style: chr4-103592505-CGAAGAGTATT-C.
Other names: short protein forms N385fs.
Identifiers: ClinVar variation 1958813 (VCV001958813.5), dbSNP rs2476782303, ClinGen allele CA2580071268.

ClinVar aggregate classification (germline): Pathogenic (1 of 4 stars; one submission).

Conditions:
Beta-D-mannosidosis (MANSB). Also called: MANNOSIDOSIS, BETA A, LYSOSOMAL; BETA-MANNOSIDASE DEFICIENCY; LYSOSOMAL BETA-MANNOSIDASE DEFICIENCY; Beta-Mannosidosis. Identifiers: Orphanet 118, MedGen C4048196, MONDO:0009562, OMIM 248510.

Submission:

Labcorp Genetics (formerly Invitae), Labcorp
Classification: Pathogenic for Beta-D-mannosidosis. Last evaluated: 2022-01-10. Review status: criteria provided, single submitter. Criteria: Invitae Variant Classification Sherloc (09022015). Collection method: clinical testing. Allele origin: germline.
Comment: For these reasons, this variant has been classified as Pathogenic. This variant has not been reported in the literature in individuals affected with MANBA-related conditions. This variant is not present in population databases (gnomAD no frequency). This sequence change creates a premature translational stop signal (p.Asn385Glyfs*20) in the MANBA gene. It is expected to result in an absent or disrupted protein product. Loss-of-function variants in MANBA are known to be pathogenic (PMID: 9384606, 12468273).

Literature cited by the submitters: PubMed 9384606; PubMed 12468273.